The following is an entry in ClinVar:

NM_001377.3(DYNC2H1):c.2192C>T (p.Thr731Ile)

Gene: DYNC2H1 (dynein cytoplasmic 2 heavy chain 1; plus strand). Cytogenetic location: 11q22.3.
Variant type: single nucleotide variant.
Coding change: c.2192C>T on transcript NM_001377.3 (MANE Select); coding-DNA position 2192, C replaced by T.
Protein change: p.Thr731Ile; replaces threonine 731 with isoleucine.
Molecular consequence: missense variant.
Genome position (GRCh38, 1-based): chr11:103,134,406, C>T. VCF-style: chr11-103134406-C-T. GRCh37 (hg19) VCF-style: chr11-103005135-C-T.
Other names: c.2192C>T, p.Thr731Ile (NM_001080463.2); short protein forms T731I.
Identifiers: ClinVar variation 4714002 (VCV004714002.1).

ClinVar aggregate classification (germline): Uncertain significance (1 of 4 stars; one submission).

Conditions:
Jeune thoracic dystrophy. Also called: Jeune syndrome; Infantile thoracic dystrophy; Thoracic pelvic phalangeal dystrophy; Jeune's syndrome; Chondroectodermal dysplasia-like syndrome; Short-rib thoracic dysplasia. Identifiers: Orphanet 474, MedGen C0265275, MONDO:0018770.

gnomAD v4.1: 27 of 1,610,410 alleles (0.0017%); highest among the groups gnomAD compares: South Asian, 0.03%; 1 homozygote.

Submission:

Labcorp Genetics (formerly Invitae), Labcorp
Classification: Uncertain significance for Jeune thoracic dystrophy. Last evaluated: 2026-01-08. Review status: criteria provided, single submitter. Criteria: Invitae Variant Classification Sherloc (09022015). Collection method: clinical testing. Allele origin: germline.
Comment: This sequence change replaces threonine, which is neutral and polar, with isoleucine, which is neutral and non-polar, at codon 731 of the DYNC2H1 protein (p.Thr731Ile). This variant is present in population databases (rs759722812, gnomAD 0.03%). This variant has not been reported in the literature in individuals affected with DYNC2H1-related conditions. Invitae Evidence Modeling of protein sequence and biophysical properties (such as structural, functional, and spatial information, amino acid conservation, physicochemical variation, residue mobility, and thermodynamic stability) has been performed for this missense variant. However, the output from this modeling did not meet the statistical confidence thresholds required to predict the impact of this variant on DYNC2H1 protein function. In summary, the available evidence is currently insufficient to determine the role of this variant in disease. Therefore, it has been classified as a Variant of Uncertain Significance.